The following is an entry in ClinVar:

NM_006642.5(SDCCAG8):c.233A>G (p.Lys78Arg)

Gene: SDCCAG8 (SHH signaling and ciliogenesis regulator SDCCAG8; plus strand). Cytogenetic location: 1q43.
Variant type: single nucleotide variant.
Coding change: c.233A>G on transcript NM_006642.5 (MANE Select); coding-DNA position 233, A replaced by G.
Protein change: p.Lys78Arg; replaces lysine 78 with arginine.
Molecular consequence: missense variant. On other transcripts: 5 prime UTR variant (4).
Genome position (GRCh38, 1-based): chr1:243,270,990, A>G. VCF-style: chr1-243270990-A-G. GRCh37 (hg19) VCF-style: chr1-243434292-A-G.
Other names: c.-880A>G (NM_001350246.2); c.-768A>G (NM_001350247.2); c.233A>G, p.Lys78Arg (NM_001350248.2); c.-62A>G (NM_001350249.2); c.-1141A>G (NM_001350251.2); short protein forms K78R.
Identifiers: ClinVar variation 934835 (VCV000934835.11), dbSNP rs750977682, ClinGen allele CA1483242.

ClinVar aggregate classification (germline): Uncertain significance. Review status: criteria provided, multiple submitters, no conflicts (2 of 4 stars). 4 submissions from 4 submitters: Uncertain significance (3). 1 of the submissions does not count toward it. Last evaluated 2025-12-02.

Conditions:
Bardet-Biedl syndrome 16 (BBS16). Identifiers: Orphanet 110, MedGen C3889474, MONDO:0014444, OMIM 615993.
Senior-Loken syndrome 7 (SLSN7). Identifiers: Orphanet 3156, MedGen C3150877, MONDO:0013326, OMIM 613615.
Inborn genetic diseases. Identifiers: MedGen C0950123, MeSH D030342.
SDCCAG8-related disorder. Also called: SDCCAG8-related condition; SDCCAG8-Related Disorders.

Allele frequency attached by ClinVar (database versions not stated): gnomAD exomes 0.00004 and 0.00006; TOPMed 0.00004; ExAC 0.00005; gnomAD 0.00005 and 0.00006.
gnomAD v4.1: 74 of 1,613,034 alleles (0.0046%); highest among the groups gnomAD compares: Admixed American, 0.018%; no homozygotes.

Submissions (4):

Ambry Genetics
Classification: Uncertain significance for Inborn genetic diseases. Last evaluated: 2025-12-02. Review status: criteria provided, single submitter. Criteria: Ambry Variant Classification Scheme 2023. Collection method: clinical testing. Allele origin: germline.

Labcorp Genetics (formerly Invitae), Labcorp
Classification: Uncertain significance for Bardet-Biedl syndrome 16; Senior-Loken syndrome 7. Last evaluated: 2024-11-18. Review status: criteria provided, single submitter. Criteria: Invitae Variant Classification Sherloc (09022015). Collection method: clinical testing. Allele origin: germline.
Comment: This sequence change replaces lysine, which is basic and polar, with arginine, which is basic and polar, at codon 78 of the SDCCAG8 protein (p.Lys78Arg). This variant is present in population databases (rs750977682, gnomAD 0.009%). This variant has not been reported in the literature in individuals affected with SDCCAG8-related conditions. ClinVar contains an entry for this variant (Variation ID: 934835). Invitae Evidence Modeling of protein sequence and biophysical properties (such as structural, functional, and spatial information, amino acid conservation, physicochemical variation, residue mobility, and thermodynamic stability) indicates that this missense variant is not expected to disrupt SDCCAG8 protein function with a negative predictive value of 80%. In summary, the available evidence is currently insufficient to determine the role of this variant in disease. Therefore, it has been classified as a Variant of Uncertain Significance.

Blueprint Genetics
Classification: Uncertain significance. Last evaluated: 2023-12-29. Review status: criteria provided, single submitter. Criteria: ACMG Guidelines, 2015. Collection method: clinical testing. Allele origin: germline.

PreventionGenetics, part of Exact Sciences
Classification: Uncertain significance for SDCCAG8-related condition. Last evaluated: 2024-05-17. Review status: no assertion criteria provided. Collection method: clinical testing. Allele origin: germline. Not counted in ClinVar's aggregate classification.
Comment: The SDCCAG8 c.233A>G variant is predicted to result in the amino acid substitution p.Lys78Arg. To our knowledge, this variant has not been reported in the literature. This variant is reported in 0.011% of alleles in individuals of Latino descent in gnomAD. At this time, the clinical significance of this variant is uncertain due to the absence of conclusive functional and genetic evidence.